The following is an entry in ClinVar:

NC_000009.12:g.(?_128632127)_(128640939_?)del

Genes: DYNC2I2 (dynein 2 intermediate chain 2; minus strand), SPTAN1 (spectrin alpha, non-erythrocytic 1; plus strand), LOC126860772 (CDK7 strongly-dependent group 2 enhancer GRCh37_chr9:131396972-131398171; plus strand). Cytogenetic location: 9q34.11.
Variant type: Deletion.
Identifiers: ClinVar variation 583607 (VCV000583607.12).

ClinVar aggregate classification (germline): Pathogenic. Review status: criteria provided, single submitter (1 of 4 stars). 2 submissions from 1 submitter: Pathogenic (2). Last evaluated 2022-08-08.

Conditions:
Developmental and epileptic encephalopathy. Identifiers: MedGen C5779964, MONDO:0100620.
Short-rib thoracic dysplasia 11 with or without polydactyly (SRTD11). Also called: SHORT-RIB THORACIC DYSPLASIA 11 WITHOUT POLYDACTYLY. Identifiers: Orphanet 474, Orphanet 93271, MedGen C3810200, MONDO:0014287, OMIM 615633.

Submissions (2):

Labcorp Genetics (formerly Invitae), Labcorp
Classification: Pathogenic for Short-rib thoracic dysplasia 11 with or without polydactyly. Last evaluated: 2022-08-08. Review status: criteria provided, single submitter. Criteria: Invitae Variant Classification Sherloc (09022015). Collection method: clinical testing. Allele origin: germline.
Comment: A gross deletion of the genomic region encompassing the full coding sequence of the WDR34 gene has been identified. Loss-of-function variants in WDR34 are known to be pathogenic (PMID: 24183449, 24183451, 28379358). The boundaries of this event are unknown as they extend beyond the assayed region for this gene and therefore may encompass additional genes. This variant has not been reported in the literature in individuals affected with WDR34-related conditions. For these reasons, this variant has been classified as Pathogenic.

Labcorp Genetics (formerly Invitae), Labcorp
Classification: Pathogenic for Early-infantile DEE. Last evaluated: 2022-08-08. Review status: criteria provided, single submitter. Criteria: Invitae Variant Classification Sherloc (09022015). Collection method: clinical testing. Allele origin: germline.
Comment: For these reasons, this variant has been classified as Pathogenic. This variant disrupts a region of the SPTAN1 protein in which other variant(s) (p.Arg2261*) have been determined to be pathogenic (PMID: 33578420). This suggests that this is a clinically significant region of the protein, and that variants that disrupt it are likely to be disease-causing. This variant has not been reported in the literature in individuals affected with SPTAN1-related conditions. This variant is a gross deletion of the genomic region encompassing exon(s) 53-57 of the SPTAN1 gene, which includes the termination codon. This deletion extends beyond the assayed region for this gene and therefore may encompass additional genes. While this deletion is not anticipated to lead to nonsense mediated decay, it is expected to alter mRNA translation or result in a truncated protein product.

Literature cited by the submitters: PubMed 24183449; PubMed 24183451; PubMed 28379358; PubMed 33578420.